The following is an entry in ClinVar:

ClinVar aggregate classification (germline): Benign (0 of 4 stars; one submission).

Conditions:
JMJD7-PLA2G4B-related disorder. Also called: JMJD7-PLA2G4B-related condition.

Submission:

PreventionGenetics, part of Exact Sciences
Classification: Benign for JMJD7-PLA2G4B-related condition. Last evaluated: 2019-02-22. Review status: no assertion criteria provided. Collection method: clinical testing. Allele origin: germline.
Comment: This variant is classified as benign based on ACMG/AMP sequence variant interpretation guidelines (Richards et al. 2015 PMID: 25741868, with internal and published modifications).

NM_005090.4(JMJD7-PLA2G4B):c.1710-25TGGCTT[2]

Genes: JMJD7-PLA2G4B (JMJD7-PLA2G4B readthrough; plus strand), PLA2G4B (phospholipase A2 group IVB; plus strand). Cytogenetic location: 15q15.1.
Variant type: Microsatellite.
Coding change: c.1710-25TGGCTT[2] on transcript NM_005090.4; two copies in a row of the 6-base unit TGGCTT starting at c.1710-25.
Molecular consequence: intron variant.
Genome position: GRCh38 VCF-style: chr15-41844822-CTGGCTT-C. GRCh37 (hg19) VCF-style: chr15-42137020-CTGGCTT-C.
Other names: c.1710-25TGGCTT[2] (NM_001198588.2); c.1017-25TGGCTT[2] (NM_001114633.2).
Identifiers: ClinVar variation 3035345 (VCV003035345.2), dbSNP rs534236778, ClinGen allele CA7499910.